The following is an entry in ClinVar:

ClinVar aggregate classification (germline): Uncertain significance (1 of 4 stars; one submission).

Submission:

Labcorp Genetics (formerly Invitae), Labcorp
Classification: Uncertain significance. Last evaluated: 2019-07-10. Review status: criteria provided, single submitter. Criteria: Invitae Variant Classification Sherloc (09022015). Collection method: clinical testing. Allele origin: germline.
Comment: This variant results in a copy number gain of the genomic region encompassing the full coding sequence of the CTNNA1 gene. The boundaries of this event are unknown as they extend beyond the assayed region for this gene and therefore may encompass additional genes. As the precise location of this event is unknown, it may be in tandem or it may be located elsewhere in the genome. This variant has not been reported in the literature in individuals with CTNNA1-related disease. Experimental studies are not available for this variant, and the functional significance of a copy number gain of this gene is currently unknown. In summary, the available evidence is currently insufficient to determine the role of this variant in disease. Therefore, it has been classified as a Variant of Uncertain Significance.

NC_000005.9:g.(?_138117604)_(138269788_?)dup

Genes: LRRTM2 (leucine rich repeat transmembrane neuronal 2; minus strand), CTNNA1 (catenin alpha 1; plus strand), LOC129994750 (ATAC-STARR-seq lymphoblastoid active region 23216; plus strand). Cytogenetic location: 5q31.2.
Variant type: Duplication.
Identifiers: ClinVar variation 641002 (VCV000641002.2).